The following is an entry in ClinVar:

ClinVar aggregate classification (germline): Uncertain significance (1 of 4 stars; one submission).

Conditions:
Usher syndrome type 3B. Also called: USHER SYNDROME, TYPE IIIB. Identifiers: MedGen C3281066, MONDO:0013788, OMIM 614504.

Submission:

Labcorp Genetics (formerly Invitae), Labcorp
Classification: Uncertain significance for Usher syndrome type 3B. Last evaluated: 2022-10-23. Review status: criteria provided, single submitter. Criteria: Invitae Variant Classification Sherloc (09022015). Collection method: clinical testing. Allele origin: germline.
Comment: This variant has not been reported in the literature in individuals affected with HARS-related conditions. This variant is not present in population databases (gnomAD no frequency). This sequence change replaces aspartic acid, which is acidic and polar, with histidine, which is basic and polar, at codon 364 of the HARS protein (p.Asp364His). Advanced modeling of protein sequence and biophysical properties (such as structural, functional, and spatial information, amino acid conservation, physicochemical variation, residue mobility, and thermodynamic stability) performed at Invitae indicates that this missense variant is expected to disrupt HARS protein function. This variant disrupts the p.Asp364 amino acid residue in HARS. Other variant(s) that disrupt this residue have been determined to be pathogenic (PMID: 26072516). This suggests that this residue is clinically significant, and that variants that disrupt this residue are likely to be disease-causing. In summary, the available evidence is currently insufficient to determine the role of this variant in disease. Therefore, it has been classified as a Variant of Uncertain Significance.

Literature cited by the submitters: PubMed 26072516.

NM_002109.6(HARS1):c.1090G>C (p.Asp364His)

Gene: HARS1 (histidyl-tRNA synthetase 1; minus strand). Cytogenetic location: 5q31.3.
Variant type: single nucleotide variant.
Coding change: c.1090G>C on transcript NM_002109.6 (MANE Select); coding-DNA position 1090, G replaced by C.
Protein change: p.Asp364His; replaces aspartic acid 364 with histidine.
Molecular consequence: missense variant.
Genome position (GRCh38, 1-based): chr5:140,676,758, C>G on the plus strand (G>C on the coding strand, the complement: HARS1 is on the minus strand). VCF-style: chr5-140676758-C-G. GRCh37 (hg19) VCF-style: chr5-140056343-C-G.
Other names: c.970G>C, p.Asp324His (NM_001258040.3); c.1030G>C, p.Asp344His (NM_001258041.3); c.910G>C, p.Asp304His (NM_001258042.3); c.868G>C, p.Asp290His (NM_001289092.2); c.748G>C, p.Asp250His (NM_001289093.2); c.1003G>C, p.Asp335His (NM_001289094.2); short protein forms D344H, D324H, D290H, D335H, D250H, D304H, D364H.
Identifiers: ClinVar variation 2809436 (VCV002809436.3), dbSNP rs863225124, ClinGen allele CA361251234.